The following is an entry in ClinVar:

NM_014806.5(RUSC2):c.2657C>A (p.Ala886Asp)

Gene: RUSC2 (RUN and SH3 domain containing 2; plus strand). Cytogenetic location: 9p13.3.
Variant type: single nucleotide variant.
Coding change: c.2657C>A on transcript NM_014806.5 (MANE Select); coding-DNA position 2657, C replaced by A.
Protein change: p.Ala886Asp; replaces alanine 886 with aspartic acid.
Molecular consequence: missense variant. On other transcripts: non-coding transcript variant (1).
Genome position (GRCh38, 1-based): chr9:35,555,952, C>A. VCF-style: chr9-35555952-C-A. GRCh37 (hg19) VCF-style: chr9-35555949-C-A.
Other names: c.2657C>A, p.Ala886Asp (NM_001135999.2); c.23C>A, p.Ala8Asp (NM_001330740.2); c.2657C>A (NM_001135999.1); short protein forms A8D, A886D.
Identifiers: ClinVar variation 1355044 (VCV001355044.7), dbSNP rs1291211105, ClinGen allele CA373344158.

ClinVar aggregate classification (germline): Uncertain significance. Review status: criteria provided, multiple submitters, no conflicts (2 of 4 stars). 2 submissions from 2 submitters: Uncertain significance (2). Last evaluated 2023-11-01.

Allele frequency attached by ClinVar (database versions not stated): gnomAD exomes below 0.00001.
gnomAD v4.1: 5 of 1,613,586 alleles (0.00031%); highest among the groups gnomAD compares: Non-Finnish European, 0.00042%; no homozygotes.

Submissions (2):

Labcorp Genetics (formerly Invitae), Labcorp
Classification: Uncertain significance. Last evaluated: 2023-11-01. Review status: criteria provided, single submitter. Criteria: Invitae Variant Classification Sherloc (09022015). Collection method: clinical testing. Allele origin: germline.
Comment: This sequence change replaces alanine, which is neutral and non-polar, with aspartic acid, which is acidic and polar, at codon 886 of the RUSC2 protein (p.Ala886Asp). This variant is present in population databases (no rsID available, gnomAD 0.0009%). This variant has not been reported in the literature in individuals affected with RUSC2-related conditions. ClinVar contains an entry for this variant (Variation ID: 1355044). An algorithm developed to predict the effect of missense changes on protein structure and function (PolyPhen-2) suggests that this variant is likely to be disruptive. In summary, the available evidence is currently insufficient to determine the role of this variant in disease. Therefore, it has been classified as a Variant of Uncertain Significance.

Ambry Genetics
Classification: Uncertain significance. Last evaluated: 2021-10-26. Review status: criteria provided, single submitter. Criteria: Ambry Variant Classification Scheme 2023. Collection method: clinical testing. Allele origin: germline.